The following is an entry in ClinVar:

NM_000138.5(FBN1):c.2902A>T (p.Thr968Ser)

Gene: FBN1 (fibrillin 1; minus strand). Cytogenetic location: 15q21.1.
Variant type: single nucleotide variant.
Coding change: c.2902A>T on transcript NM_000138.5 (MANE Select); coding-DNA position 2902, A replaced by T.
Protein change: p.Thr968Ser; replaces threonine 968 with serine.
Molecular consequence: missense variant.
Genome position (GRCh38, 1-based): chr15:48,490,031, T>A on the plus strand (A>T on the coding strand, the complement: FBN1 is on the minus strand). VCF-style: chr15-48490031-T-A. GRCh37 (hg19) VCF-style: chr15-48782228-T-A.
Other names: short protein forms T968S.
Identifiers: ClinVar variation 661278 (VCV000661278.10), dbSNP rs752117227, ClinGen allele CA049295.

ClinVar aggregate classification (germline): Uncertain significance. Review status: criteria provided, multiple submitters, no conflicts (2 of 4 stars). 2 submissions from 2 submitters: Uncertain significance (2). Last evaluated 2024-09-14.

Conditions:
Familial thoracic aortic aneurysm and aortic dissection (TAAD). Also called: Thoracic aortic aneurysms and dissections. Identifiers: Orphanet 91387, MedGen C4707243, MONDO:0019625.
Marfan syndrome (MFS). Also called: FBN1-Related Marfan Syndrome; Marfan syndrome type 1; Marfan's syndrome; Marfan syndrome, classic; MARFAN SYNDROME, TYPE I. Identifiers: Orphanet 284963, Orphanet 558, MedGen C0024796, MONDO:0007947, OMIM 154700.

Allele frequency attached by ClinVar (database versions not stated): TOPMed below 0.00001; ExAC 0.00001; gnomAD 0.00001; gnomAD exomes 0.00002 and 0.00001.
gnomAD v4.1: 29 of 1,613,930 alleles (0.0018%); highest among the groups gnomAD compares: Non-Finnish European, 0.0024%; no homozygotes.

Submissions (2):

Labcorp Genetics (formerly Invitae), Labcorp
Classification: Uncertain significance for Marfan syndrome; Familial thoracic aortic aneurysm and aortic dissection. Last evaluated: 2024-09-14. Review status: criteria provided, single submitter. Criteria: Invitae Variant Classification Sherloc (09022015). Collection method: clinical testing. Allele origin: germline.
Comment: This sequence change replaces threonine, which is neutral and polar, with serine, which is neutral and polar, at codon 968 of the FBN1 protein (p.Thr968Ser). This variant is present in population databases (rs752117227, gnomAD 0.003%). This variant has not been reported in the literature in individuals affected with FBN1-related conditions. ClinVar contains an entry for this variant (Variation ID: 661278). Invitae Evidence Modeling of protein sequence and biophysical properties (such as structural, functional, and spatial information, amino acid conservation, physicochemical variation, residue mobility, and thermodynamic stability) indicates that this missense variant is not expected to disrupt FBN1 protein function with a negative predictive value of 95%. In summary, the available evidence is currently insufficient to determine the role of this variant in disease. Therefore, it has been classified as a Variant of Uncertain Significance.

Color Diagnostics, LLC DBA Color Health
Classification: Uncertain significance for Familial thoracic aortic aneurysm and aortic dissection. Last evaluated: 2020-11-02. Review status: criteria provided, single submitter. Criteria: ACMG Guidelines, 2015. Collection method: clinical testing. Allele origin: germline.
Comment: This missense variant replaces threonine with serine at codon 968 of the FBN1 protein. Computational prediction suggests that this variant may not impact protein structure and function (internally defined REVEL score threshold <= 0.5, PMID: 27666373). To our knowledge, functional studies have not been reported for this variant. This variant has not been reported in individuals affected with cardiovascular disorders in the literature. This variant has been identified in 3/251440 chromosomes in the general population by the Genome Aggregation Database (gnomAD). The available evidence is insufficient to determine the role of this variant in disease conclusively. Therefore, this variant is classified as a Variant of Uncertain Significance.